The following is an entry in ClinVar:

ClinVar aggregate classification (germline): Uncertain significance (1 of 4 stars; one submission).

Submission:

Women's Health and Genetics/Laboratory Corporation of America, LabCorp
Classification: Uncertain significance. Last evaluated: 2024-08-29. Review status: criteria provided, single submitter. Criteria: LabCorp Variant Classification Summary - May 2015. Collection method: clinical testing. Allele origin: germline.
Comment: Variant summary: FN1 c.2357dupA (p.Tyr786X) results in a premature termination codon, predicted to cause a truncation of the encoded protein or absence of the protein due to nonsense mediated decay, however current evidence is not sufficient to establish loss of function as a mechanism for disease. The variant was absent in 251408 control chromosomes. The available data on variant occurrences in the general population are insufficient to allow any conclusion about variant significance. To our knowledge, no occurrence of c.2357dupA in individuals affected with Spondylometaphyseal Dysplasia-Sutcliffe Type and no experimental evidence demonstrating its impact on protein function have been reported. No submitters have cited clinical-significance assessments for this variant to ClinVar. Based on the evidence outlined above, the variant was classified as uncertain significance.

NM_212482.4(FN1):c.2357dup (p.Tyr786Ter)

Gene: FN1 (fibronectin 1; minus strand). Cytogenetic location: 2q35.
Variant type: Duplication.
Coding change: c.2357dup on transcript NM_212482.4 (MANE Select); coding-DNA position 2357, one base duplicated (A; older notation c.2357dupA).
Protein change: p.Tyr786Ter; replaces tyrosine 786 with a stop codon.
Molecular consequence: nonsense.
Genome position (GRCh38, 1-based): chr2:215,408,369, T duplicated on the plus strand (A on the coding strand, the reverse complement: FN1 is on the minus strand). VCF-style (leftmost placement, unchanged base first): chr2-215408368-G-GT. GRCh37 (hg19) VCF-style: chr2-216273091-G-GT.
Other names: c.2357dup, p.Tyr786Ter (NM_001306129.2, NM_001306130.2, NM_001306131.2 and 13 more transcripts); c.2357dupA (NM_212482.4); short protein forms Y786*.
Identifiers: ClinVar variation 3366354 (VCV003366354.1).